The following is an entry in ClinVar:

ClinVar aggregate classification (germline): Uncertain significance (1 of 4 stars; one submission).

Conditions:
Hypertrophic cardiomyopathy 26. Also called: Cardiomyopathy, familial hypertrophic, 26. Identifiers: Orphanet 75249, MedGen C4310749, MONDO:0014883, OMIM 617047.
Myofibrillar myopathy 5. Also called: Filaminopathy (type); FILAMINOPATHY, AUTOSOMAL DOMINANT. Identifiers: Orphanet 171445, MedGen C1836050, MONDO:0012289, OMIM 609524.
Distal myopathy with posterior leg and anterior hand involvement. Also called: WILLIAMS DISTAL MYOPATHY. Identifiers: Orphanet 63273, MedGen C3279722, MONDO:0013550, OMIM 614065.

Submission:

Labcorp Genetics (formerly Invitae), Labcorp
Classification: Uncertain significance for Distal myopathy with posterior leg and anterior hand involvement; Myofibrillar myopathy 5; Hypertrophic cardiomyopathy 26. Last evaluated: 2025-09-10. Review status: criteria provided, single submitter. Criteria: Invitae Variant Classification Sherloc (09022015). Collection method: clinical testing. Allele origin: germline.
Comment: This sequence change replaces arginine, which is basic and polar, with leucine, which is neutral and non-polar, at codon 1543 of the FLNC protein (p.Arg1543Leu). This variant is not present in population databases (gnomAD no frequency). This variant has not been reported in the literature in individuals affected with FLNC-related conditions. Invitae Evidence Modeling of protein sequence and biophysical properties (such as structural, functional, and spatial information, amino acid conservation, physicochemical variation, residue mobility, and thermodynamic stability) has been performed for this missense variant. However, the output from this modeling did not meet the statistical confidence thresholds required to predict the impact of this variant on FLNC protein function. In summary, the available evidence is currently insufficient to determine the role of this variant in disease. Therefore, it has been classified as a Variant of Uncertain Significance.

NM_001458.5(FLNC):c.4628G>T (p.Arg1543Leu)

Gene: FLNC (filamin C; plus strand). Cytogenetic location: 7q32.1.
Variant type: single nucleotide variant.
Coding change: c.4628G>T on transcript NM_001458.5 (MANE Select); coding-DNA position 4628, G replaced by T.
Protein change: p.Arg1543Leu; replaces arginine 1543 with leucine.
Molecular consequence: missense variant.
Genome position (GRCh38, 1-based): chr7:128,848,608, G>T. VCF-style: chr7-128848608-G-T. GRCh37 (hg19) VCF-style: chr7-128488662-G-T.
Other names: c.4628G>T, p.Arg1543Leu (NM_001127487.2); short protein forms R1543L.
Identifiers: ClinVar variation 4812421 (VCV004812421.1).